The following is an entry in ClinVar:

NM_201631.4(TGM5):c.396G>C (p.Gln132His)

Gene: TGM5 (transglutaminase 5; minus strand). Cytogenetic location: 15q15.2.
Variant type: single nucleotide variant.
Coding change: c.396G>C on transcript NM_201631.4 (MANE Select); coding-DNA position 396, G replaced by C.
Protein change: p.Gln132His; replaces glutamine 132 with histidine.
Molecular consequence: missense variant. On other transcripts: intron variant (1).
Genome position (GRCh38, 1-based): chr15:43,260,092, C>G on the plus strand (G>C on the coding strand, the complement: TGM5 is on the minus strand). VCF-style: chr15-43260092-C-G. GRCh37 (hg19) VCF-style: chr15-43552290-C-G.
Other names: c.190+308G>C (NM_004245.4); short protein forms Q132H.
Identifiers: ClinVar variation 3176760 (VCV003176760.2), dbSNP rs141033984, ClinGen allele CA7521371.
Genomic context (GRCh38, chr15:43,260,092, plus strand): 5'-GCCTGGGCACCCAGCCTTACCTGGGCACCAGGGATTGAAAAGCAGGATGAACTCCCCTAG[C>G]TGGTAGGCCGTCACAGACCCCTGGAAGGAGTCGATGTGGATTTTCAAGAGGTACCGACCC-3'
Protein context (NP_963925.2, residues 122-142): DSFQGSVTAY[Gln132His]LGEFILLFNP

ClinVar aggregate classification (germline): Uncertain significance. Review status: criteria provided, multiple submitters, no conflicts (2 of 4 stars). 2 submissions from 2 submitters: Uncertain significance (2). Last evaluated 2024-08-12.

Conditions:
Inborn genetic diseases. Identifiers: MedGen C0950123, MeSH D030342.

Allele frequency attached by ClinVar (database versions not stated): gnomAD exomes 0.00004; ExAC 0.00013; gnomAD 0.00038; TOPMed 0.00043; 1000 Genomes Project 30x 0.00047; 1000 Genomes Project 0.00060; ESP Exome Variant Server 0.00069.
gnomAD v4.1: 120 of 1,614,142 alleles (0.0074%); highest among the groups gnomAD compares: African/African-American, 0.15%; no homozygotes.

Submissions (2):

GeneDx
Classification: Uncertain significance. Last evaluated: 2024-08-12. Review status: criteria provided, single submitter. Criteria: GeneDx Variant Classification Process June 2021. Collection method: clinical testing. Allele origin: germline. Affected: yes.
Comment: In silico analysis indicates that this missense variant does not alter protein structure/function; Has not been previously published as pathogenic or benign to our knowledge

Ambry Genetics
Classification: Uncertain significance for Inborn genetic diseases. Last evaluated: 2024-03-07. Review status: criteria provided, single submitter. Criteria: Ambry Variant Classification Scheme 2023. Collection method: clinical testing. Allele origin: germline.